The following is an entry in ClinVar:

NM_001367624.2(ZNF469):c.6059C>G (p.Ala2020Gly)

Gene: ZNF469 (zinc finger protein 469; plus strand). Cytogenetic location: 16q24.2.
Variant type: single nucleotide variant.
Coding change: c.6059C>G on transcript NM_001367624.2 (MANE Select); coding-DNA position 6059, C replaced by G.
Protein change: p.Ala2020Gly; replaces alanine 2020 with glycine.
Molecular consequence: missense variant.
Genome position (GRCh38, 1-based): chr16:88,433,529, C>G. VCF-style: chr16-88433529-C-G. GRCh37 (hg19) VCF-style: chr16-88499937-C-G.
Other names: NM_001127464.1:c.5975C>G; short protein forms A2020G.
Identifiers: ClinVar variation 1750799 (VCV001750799.2), dbSNP rs1252062670, ClinGen allele CA397103766.

ClinVar aggregate classification (germline): Uncertain significance (1 of 4 stars; one submission).

Conditions:
Cardiovascular phenotype. Identifiers: MedGen CN230736.

Allele frequency attached by ClinVar (database versions not stated): TOPMed below 0.00001; gnomAD 0.00001.
gnomAD v4.1: 2 of 1,550,282 alleles (0.00013%); highest among the groups gnomAD compares: Middle Eastern, 0.017%; no homozygotes.

Submission:

Ambry Genetics
Classification: Uncertain significance for Cardiovascular phenotype. Last evaluated: 2022-06-02. Review status: criteria provided, single submitter. Criteria: Ambry Variant Classification Scheme 2023. Collection method: clinical testing. Allele origin: germline.
Comment: The p.A1992G variant (also known as c.5975C>G), located in coding exon 2 of the ZNF469 gene, results from a C to G substitution at nucleotide position 5975. The alanine at codon 1992 is replaced by glycine, an amino acid with similar properties. This amino acid position is conserved. In addition, this alteration is predicted to be tolerated by in silico analysis. Since supporting evidence is limited at this time, the clinical significance of this alteration remains unclear.